The following is an entry in ClinVar:

ClinVar aggregate classification (germline): Uncertain significance (1 of 4 stars; one submission).

Submission:

Ambry Genetics
Classification: Uncertain significance. Last evaluated: 2026-06-10. Review status: criteria provided, single submitter. Criteria: Ambry Variant Classification Scheme 2023. Collection method: clinical testing. Allele origin: germline.
Comment: The p.C296R variant (also known as c.886T>C), located in coding exon 1 of the TET2 gene, results from a T to C substitution at nucleotide position 886. The cysteine at codon 296 is replaced by arginine, an amino acid with highly dissimilar properties. This amino acid position is conserved. In addition, this alteration is predicted to be tolerated by in silico analysis. Based on the available evidence, the clinical significance of this variant remains unclear.

NM_001127208.3(TET2):c.886T>C (p.Cys296Arg)

Genes: TET2 (tet methylcytosine dioxygenase 2; plus strand), TET2-AS1 (TET2 antisense RNA 1; minus strand). Cytogenetic location: 4q24.
Variant type: single nucleotide variant.
Coding change: c.886T>C on transcript NM_001127208.3 (MANE Select); coding-DNA position 886, T replaced by C.
Protein change: p.Cys296Arg; replaces cysteine 296 with arginine.
Molecular consequence: missense variant.
Genome position (GRCh38, 1-based): chr4:105,234,828, T>C. VCF-style: chr4-105234828-T-C. GRCh37 (hg19) VCF-style: chr4-106155985-T-C.
Other names: c.886T>C, p.Cys296Arg (NM_017628.4); short protein forms C296R.
Identifiers: ClinVar variation 4865615 (VCV004865615.1).